The following is an entry in ClinVar:

ClinVar aggregate classification (germline): Uncertain significance (1 of 4 stars; one submission).

Submission:

GeneDx
Classification: Uncertain significance. Last evaluated: 2025-06-26. Review status: criteria provided, single submitter. Criteria: GeneDx Variant Classification Process June 2021. Collection method: clinical testing. Allele origin: germline. Affected: yes.
Comment: Not observed at significant frequency in large population cohorts (gnomAD); In silico analysis supports that this missense variant has a deleterious effect on protein structure/function; Has not been previously published as pathogenic or benign to our knowledge

NM_005676.5(RBM10):c.547G>T (p.Asp183Tyr)

Gene: RBM10 (RNA binding motif protein 10; plus strand). Cytogenetic location: Xp11.3.
Variant type: single nucleotide variant.
Coding change: c.547G>T on transcript NM_005676.5 (MANE Select); coding-DNA position 547, G replaced by T.
Protein change: p.Asp183Tyr; replaces aspartic acid 183 with tyrosine.
Molecular consequence: missense variant.
Genome position (GRCh38, 1-based): chrX:47,175,063, G>T. VCF-style: chrX-47175063-G-T. GRCh37 (hg19) VCF-style: chrX-47034462-G-T.
Other names: c.316G>T, p.Asp106Tyr (NM_001204466.2, NM_152856.3); c.547G>T, p.Asp183Tyr (NM_001204467.2); c.742G>T, p.Asp248Tyr (NM_001204468.2, NM_001440861.1); c.511G>T, p.Asp171Tyr (NM_001440862.1, NM_001440863.1); short protein forms D106Y, D171Y, D183Y, D248Y.
Identifiers: ClinVar variation 4539887 (VCV004539887.1).